The following is an entry in ClinVar:

ClinVar aggregate classification (germline): Uncertain significance. Review status: criteria provided, multiple submitters, no conflicts (2 of 4 stars). 7 submissions from 7 submitters: Uncertain significance (6). 1 of the submissions does not count toward it. Last evaluated 2025-03-13.

Conditions:
Usher syndrome type 1 (USH1). Also called: RETINITIS PIGMENTOSA AND CONGENITAL DEAFNESS. Identifiers: Orphanet 231169, Orphanet 886, MedGen C1568247, MONDO:0010168, OMIM 276900.

Allele frequency attached by ClinVar (database versions not stated): gnomAD 0.00001; gnomAD exomes 0.00003; TOPMed 0.00003; ExAC 0.00006.

Submissions (7):

GeneDx
Classification: Uncertain significance. Last evaluated: 2025-03-13. Review status: criteria provided, single submitter. Criteria: GeneDx Variant Classification Process June 2021. Collection method: clinical testing. Allele origin: germline. Affected: yes.
Comment: In silico analysis supports that this missense variant has a deleterious effect on protein structure/function; Identified in a patient with bilateral sensorineural hearing loss and additional variants in other genes in published literature (PMID: 29907799); This variant is associated with the following publications: (PMID: 29907799)

Labcorp Genetics (formerly Invitae), Labcorp
Classification: Uncertain significance. Last evaluated: 2024-06-10. Review status: criteria provided, single submitter. Criteria: Invitae Variant Classification Sherloc (09022015). Collection method: clinical testing. Allele origin: germline.
Comment: This sequence change replaces arginine, which is basic and polar, with histidine, which is basic and polar, at codon 528 of the CDH23 protein (p.Arg528His). This variant is present in population databases (rs761468283, gnomAD 0.02%). This variant has not been reported in the literature in individuals affected with CDH23-related conditions. ClinVar contains an entry for this variant (Variation ID: 595600). Advanced modeling of protein sequence and biophysical properties (such as structural, functional, and spatial information, amino acid conservation, physicochemical variation, residue mobility, and thermodynamic stability) performed at Invitae indicates that this missense variant is not expected to disrupt CDH23 protein function with a negative predictive value of 95%. In summary, the available evidence is currently insufficient to determine the role of this variant in disease. Therefore, it has been classified as a Variant of Uncertain Significance.

Blueprint Genetics
Classification: Uncertain significance. Last evaluated: 2022-11-14. Review status: criteria provided, single submitter. Criteria: ACMG Guidelines, 2015. Collection method: clinical testing. Allele origin: germline.

Laboratory for Molecular Medicine, Mass General Brigham Personalized Medicine
Classification: Uncertain significance. Last evaluated: 2018-10-23. Review status: criteria provided, single submitter. Criteria: LMM Criteria. Collection method: clinical testing. Allele origin: germline. Observed: 1 variant allele.
Comment: The p.Arg528His variant in CDH23 has not been previously reported in individuals with hearing loss or Usher syndrome, but has been identified in 0.018% (6/33320 ) of Latino chromosomes by gnomAD. Computatio nal prediction tools and conservation analysis do not provide strong support for or against an impact to the protein. In summary, the clinical significance of t he p.Arg528His variant is uncertain. ACMG/AMP Criteria applied: PM2_Supporting.

Eurofins Ntd Llc (ga)
Classification: Uncertain significance. Last evaluated: 2018-01-12. Review status: criteria provided, single submitter. Criteria: EGL Classification Definitions 2015. Collection method: clinical testing. Allele origin: germline. Observed: 1 variant allele, 1 heterozygote.

Breakthrough Genomics
Classification: Uncertain significance. Review status: criteria provided, single submitter. Criteria: ACMG Guidelines, 2015. Collection method: not provided. Allele origin: germline. Inheritance: Autosomal recessive inheritance. Affected: yes.

Natera, Inc.
Classification: Uncertain significance for Usher syndrome type 1. Last evaluated: 2019-10-28. Review status: no assertion criteria provided. Collection method: clinical testing. Allele origin: germline. Not counted in ClinVar's aggregate classification.

NM_022124.6(CDH23):c.1583G>A (p.Arg528His)

Gene: CDH23 (cadherin related 23; plus strand). Cytogenetic location: 10q22.1.
Variant type: single nucleotide variant.
Coding change: c.1583G>A on transcript NM_022124.6 (MANE Select); coding-DNA position 1583, G replaced by A.
Protein change: p.Arg528His; replaces arginine 528 with histidine.
Molecular consequence: missense variant.
Genome position (GRCh38, 1-based): chr10:71,677,524, G>A. VCF-style: chr10-71677524-G-A. GRCh37 (hg19) VCF-style: chr10-73437281-G-A.
Other names: c.1583G>A, p.Arg528His (NM_001171931.2, NM_001171930.2); short protein forms R528H.
Identifiers: ClinVar variation 595600 (VCV000595600.17), dbSNP rs761468283, ClinGen allele CA5543897.
Genomic context (GRCh38, chr10:71,677,524, plus strand): 5'-TGGACAAGGACACGGGACTCATCATGCTGATTGCCAGGCTGGACTATGAGCTCATCCAGC[G>A]CTTCACCCTGACGATCATTGCCCGGGACGGGGGCGGCGAGGAGACCACAGGCCGGGTCAG-3'
Protein context (NP_071407.4, residues 518-538): IARLDYELIQ[Arg528His]FTLTIIARDG